The following is an entry in ClinVar:

NM_004525.3(LRP2):c.6905A>G (p.Gln2302Arg)

Gene: LRP2 (LDL receptor related protein 2; minus strand). Cytogenetic location: 2q31.1.
Variant type: single nucleotide variant.
Coding change: c.6905A>G on transcript NM_004525.3 (MANE Select); coding-DNA position 6905, A replaced by G.
Protein change: p.Gln2302Arg; replaces glutamine 2302 with arginine.
Molecular consequence: missense variant.
Genome position (GRCh38, 1-based): chr2:169,206,815, T>C on the plus strand (A>G on the coding strand, the complement: LRP2 is on the minus strand). VCF-style: chr2-169206815-T-C. GRCh37 (hg19) VCF-style: chr2-170063325-T-C.
Other names: short protein forms Q2302R.
Identifiers: ClinVar variation 1475760 (VCV001475760.6), dbSNP rs2105333412, ClinGen allele CA349171986.

ClinVar aggregate classification (germline): Uncertain significance (1 of 4 stars; one submission).

Submission:

Labcorp Genetics (formerly Invitae), Labcorp
Classification: Uncertain significance. Last evaluated: 2024-02-24. Review status: criteria provided, single submitter. Criteria: Invitae Variant Classification Sherloc (09022015). Collection method: clinical testing. Allele origin: germline.
Comment: This sequence change replaces glutamine, which is neutral and polar, with arginine, which is basic and polar, at codon 2302 of the LRP2 protein (p.Gln2302Arg). This variant is not present in population databases (gnomAD no frequency). This variant has not been reported in the literature in individuals affected with LRP2-related conditions. ClinVar contains an entry for this variant (Variation ID: 1475760). Advanced modeling of protein sequence and biophysical properties (such as structural, functional, and spatial information, amino acid conservation, physicochemical variation, residue mobility, and thermodynamic stability) performed at Invitae indicates that this missense variant is not expected to disrupt LRP2 protein function with a negative predictive value of 95%. In summary, the available evidence is currently insufficient to determine the role of this variant in disease. Therefore, it has been classified as a Variant of Uncertain Significance.